The following is an entry in ClinVar:

ClinVar aggregate classification (germline): Uncertain significance. Review status: criteria provided, multiple submitters, no conflicts (2 of 4 stars). 3 submissions from 3 submitters: Uncertain significance (3). Last evaluated 2025-02-16.

Conditions:
Deafness-lymphedema-leukemia syndrome. Also called: Lymphedema, primary, with myelodysplasia; Emberger syndrome. Identifiers: Orphanet 3226, MedGen C3279664, MONDO:0013540, OMIM 614038.
Monocytopenia with susceptibility to infections. Also called: MONOCYTOPENIA AND MYCOBACTERIAL INFECTION SYNDROME; MONOCYTOPENIA WITH SUSCEPTIBILITY TO MYCOBACTERIAL, FUNGAL, AND PAPILLOMAVIRUS INFECTIONS AND MYELODYSPLASIA; COMBINED IMMUNODEFICIENCY WITH SUSCEPTIBILITY TO MYCOBACTERIAL, VIRAL, AND FUNGAL INFECTIONS; IMMUNODEFICIENCY 21; GATA2 DEFICIENCY; Dendritic cell, monocyte, B lymphocyte, and natural killer lymphocyte deficiency. Identifiers: Orphanet 228423, MedGen C3280030, MONDO:0013607, OMIM 614172.
Inborn genetic diseases. Identifiers: MedGen C0950123, MeSH D030342.

Allele frequency attached by ClinVar (database versions not stated): gnomAD exomes below 0.00001.

Submissions (3):

Ambry Genetics
Classification: Uncertain significance for Inborn genetic diseases. Last evaluated: 2025-02-16. Review status: criteria provided, single submitter. Criteria: Ambry Variant Classification Scheme 2023. Collection method: clinical testing. Allele origin: germline.
Comment: The p.P22L variant (also known as c.65C>T), located in coding exon 1 of the GATA2 gene, results from a C to T substitution at nucleotide position 65. The proline at codon 22 is replaced by leucine, an amino acid with similar properties. This amino acid position is conserved. In addition, this alteration is predicted to be deleterious by in silico analysis. Based on the available evidence, the clinical significance of this variant remains unclear.

GeneDx
Classification: Uncertain significance. Last evaluated: 2023-12-22. Review status: criteria provided, single submitter. Criteria: GeneDx Variant Classification Process June 2021. Collection method: clinical testing. Allele origin: germline. Affected: yes.
Comment: Not observed at significant frequency in large population cohorts (gnomAD); In silico analysis supports that this missense variant has a deleterious effect on protein structure/function; Has not been previously published as pathogenic or benign to our knowledge

Labcorp Genetics (formerly Invitae), Labcorp
Classification: Uncertain significance for Monocytopenia with susceptibility to infections; Deafness-lymphedema-leukemia syndrome. Last evaluated: 2023-10-16. Review status: criteria provided, single submitter. Criteria: Invitae Variant Classification Sherloc (09022015). Collection method: clinical testing. Allele origin: germline.
Comment: This sequence change replaces proline, which is neutral and non-polar, with leucine, which is neutral and non-polar, at codon 22 of the GATA2 protein (p.Pro22Leu). This variant is not present in population databases (gnomAD no frequency). This variant has not been reported in the literature in individuals affected with GATA2-related conditions. ClinVar contains an entry for this variant (Variation ID: 1006700). Advanced modeling of protein sequence and biophysical properties (such as structural, functional, and spatial information, amino acid conservation, physicochemical variation, residue mobility, and thermodynamic stability) has been performed at Invitae for this missense variant, however the output from this modeling did not meet the statistical confidence thresholds required to predict the impact of this variant on GATA2 protein function. In summary, the available evidence is currently insufficient to determine the role of this variant in disease. Therefore, it has been classified as a Variant of Uncertain Significance.

NM_032638.5(GATA2):c.65C>T (p.Pro22Leu)

Gene: GATA2 (GATA binding protein 2; minus strand). Cytogenetic location: 3q21.3.
Variant type: single nucleotide variant.
Coding change: c.65C>T on transcript NM_032638.5 (MANE Select); coding-DNA position 65, C replaced by T.
Protein change: p.Pro22Leu; replaces proline 22 with leucine.
Molecular consequence: missense variant.
Genome position (GRCh38, 1-based): chr3:128,486,967, G>A on the plus strand (C>T on the coding strand, the complement: GATA2 is on the minus strand). VCF-style: chr3-128486967-G-A. GRCh37 (hg19) VCF-style: chr3-128205810-G-A.
Other names: c.65C>T, p.Pro22Leu (NM_001145661.2, NM_001145662.1); c.65C>T (NM_032638.4); short protein forms P22L.
Identifiers: ClinVar variation 1006700 (VCV001006700.10), dbSNP rs1430054108, ClinGen allele CA354409081.
Genomic context (GRCh38, chr3:128,486,967, plus strand): 5'-GGAGGCAGCAGCTGCGCGGGTTCCATGTAGTTGTGCGCCAGGCCCGGGTGGTGTGAGTCG[G>A]GGTGCTGCGCATTCAGCACGGCCGGGTGCGCCATCCAGCGCGGCTGCTCGGGCGCCACCT-3'
Protein context (NP_116027.2, residues 12-32): AHPAVLNAQH[Pro22Leu]DSHHPGLAHN